The following is an entry in ClinVar:

NM_145064.3(STAC3):c.393_395dup (p.Cys131_Gln132insHis)

Gene: STAC3 (SH3 and cysteine rich domain 3; minus strand). Cytogenetic location: 12q13.3.
Variant type: Duplication.
Coding change: c.393_395dup on transcript NM_145064.3 (MANE Select); coding-DNA positions 393 to 395, 3 bases duplicated (TCA; older notation c.393_395dupTCA).
Protein change: p.Cys131_Gln132insHis.
Molecular consequence: inframe insertion. On other transcripts: intron variant (1).
Genome position (GRCh38, 1-based): chr12:57,248,743-57,248,745, TGA duplicated on the plus strand (TCA on the coding strand, the reverse complement: STAC3 is on the minus strand). VCF-style (leftmost placement, unchanged base first): chr12-57248742-C-CTGA. GRCh37 (hg19) VCF-style: chr12-57642525-C-CTGA.
Other names: c.276_278dup, p.Cys92_Gln93insHis (NM_001286256.2); c.-126-547_-126-545dup (NM_001286257.2).
Identifiers: ClinVar variation 1478396 (VCV001478396.6), dbSNP rs765764018, ClinGen allele CA6647160.
Genomic context (GRCh38, chr12:57,248,742, plus strand): 5'-CCTTGCTCTCCACAGCCTACTCACGATCTTGCCGAAGCATCTCTGCATTTCCACATAGGA[C>CTGA]TGACAGTGTTCATGGATGTTGGTTTTGCAGTTCTTACAGCGAAGCCCAAACTTGTTGTTG-3'

ClinVar aggregate classification (germline): Uncertain significance (1 of 4 stars; one submission).

Conditions:
Bailey-Bloch congenital myopathy (CMYO13). Also called: Native American myopathy; Congenital myopathy 13; STAC3 disorder. Identifiers: Orphanet 168572, MedGen C1850625, MONDO:0009722, OMIM 255995.

Allele frequency attached by ClinVar (database versions not stated): gnomAD exomes below 0.00001; TOPMed below 0.00001; ExAC 0.00001; gnomAD 0.00001.

Submission:

Labcorp Genetics (formerly Invitae), Labcorp
Classification: Uncertain significance for Bailey-Bloch congenital myopathy. Last evaluated: 2022-07-26. Review status: criteria provided, single submitter. Criteria: Invitae Variant Classification Sherloc (09022015). Collection method: clinical testing. Allele origin: germline.
Comment: This variant, c.393_395dup, results in the insertion of 1 amino acid(s) of the STAC3 protein (p.Cys131_Gln132insHis), but otherwise preserves the integrity of the reading frame. This variant is present in population databases (rs765764018, gnomAD 0.003%). This variant has not been reported in the literature in individuals affected with STAC3-related conditions. ClinVar contains an entry for this variant (Variation ID: 1478396). Experimental studies and prediction algorithms are not available or were not evaluated, and the functional significance of this variant is currently unknown. In summary, the available evidence is currently insufficient to determine the role of this variant in disease. Therefore, it has been classified as a Variant of Uncertain Significance.